The following is an entry in ClinVar:

NM_001330078.2(NRXN1):c.219G>T (p.Glu73Asp)

Gene: NRXN1 (neurexin 1; minus strand). Cytogenetic location: 2p16.3.
Variant type: single nucleotide variant.
Coding change: c.219G>T on transcript NM_001330078.2 (MANE Select); coding-DNA position 219, G replaced by T.
Protein change: p.Glu73Asp; replaces glutamic acid 73 with aspartic acid.
Molecular consequence: missense variant.
Genome position (GRCh38, 1-based): chr2:51,028,055, C>A on the plus strand (G>T on the coding strand, the complement: NRXN1 is on the minus strand). VCF-style: chr2-51028055-C-A. GRCh37 (hg19) VCF-style: chr2-51255193-C-A.
Other names: c.219G>T, p.Glu73Asp (NM_001135659.3, NM_001330077.2, NM_001330079.2 and 15 more transcripts); short protein forms E73D.
Identifiers: ClinVar variation 2016054 (VCV002016054.4), dbSNP rs201031680, ClinGen allele CA346824443.

ClinVar aggregate classification (germline): Uncertain significance (1 of 4 stars; one submission).

Conditions:
Pitt-Hopkins-like syndrome 2 (PTHSL2). Identifiers: Orphanet 221150, Orphanet 600663, MedGen C3280479, MONDO:0013690, OMIM 614325.

Submission:

Labcorp Genetics (formerly Invitae), Labcorp
Classification: Uncertain significance for Pitt-Hopkins-like syndrome 2. Last evaluated: 2024-06-03. Review status: criteria provided, single submitter. Criteria: Invitae Variant Classification Sherloc (09022015). Collection method: clinical testing. Allele origin: germline.
Comment: This sequence change replaces glutamic acid, which is acidic and polar, with aspartic acid, which is acidic and polar, at codon 73 of the NRXN1 protein (p.Glu73Asp). This variant is not present in population databases (gnomAD no frequency). This variant has not been reported in the literature in individuals affected with NRXN1-related conditions. ClinVar contains an entry for this variant (Variation ID: 2016054). An algorithm developed to predict the effect of missense changes on protein structure and function (PolyPhen-2) suggests that this variant is likely to be tolerated. In summary, the available evidence is currently insufficient to determine the role of this variant in disease. Therefore, it has been classified as a Variant of Uncertain Significance.